The following is an entry in ClinVar:

ClinVar aggregate classification (germline): Likely benign. Review status: criteria provided, multiple submitters, no conflicts (2 of 4 stars). 3 submissions from 3 submitters: Likely benign (3). Last evaluated 2025-12-29.

Conditions:
SCN11A-related disorder. Also called: SCN11A-related condition.
Inborn genetic diseases. Identifiers: MedGen C0950123, MeSH D030342.
Hereditary sensory and autonomic neuropathy type 7. Also called: Neuropathy, hereditary sensory and autonomic, type VII; HSAN VII. Identifiers: Orphanet 391397, MedGen C3809882, MONDO:0014244, OMIM 615548.
Familial episodic pain syndrome with predominantly lower limb involvement. Also called: Episodic pain syndrome, familial, 3. Identifiers: Orphanet 391384, Orphanet 391392, MedGen C3809899, MONDO:0014247, OMIM 615552.

Allele frequency attached by ClinVar (database versions not stated): gnomAD exomes 0.00004; ESP Exome Variant Server 0.00008; 1000 Genomes Project 30x 0.00016; 1000 Genomes Project 0.00020.
gnomAD v4.1: 37 of 1,611,092 alleles (0.0023%); highest among the groups gnomAD compares: African/African-American, 0.043%; no homozygotes.

Submissions (3):

PreventionGenetics, part of Exact Sciences
Classification: Likely benign for SCN11A-related condition. Last evaluated: 2025-12-29. Review status: criteria provided, single submitter. Criteria: ACMG Guidelines, 2015. Collection method: clinical testing. Allele origin: germline.
Comment: This variant is classified as likely benign based on ACMG/AMP sequence variant interpretation guidelines (Richards et al. 2015 PMID: 25741868, with internal and published modifications).

Labcorp Genetics (formerly Invitae), Labcorp
Classification: Likely benign for Familial episodic pain syndrome with predominantly lower limb involvement; Hereditary sensory and autonomic neuropathy type 7. Last evaluated: 2024-06-01. Review status: criteria provided, single submitter. Criteria: Invitae Variant Classification Sherloc (09022015). Collection method: clinical testing. Allele origin: germline.

Ambry Genetics
Classification: Likely benign for Inborn genetic diseases. Last evaluated: 2023-03-06. Review status: criteria provided, single submitter. Criteria: Ambry Variant Classification Scheme 2023. Collection method: clinical testing. Allele origin: germline.

NM_001349253.2(SCN11A):c.1678T>A (p.Cys560Ser)

Gene: SCN11A (sodium voltage-gated channel alpha subunit 11; minus strand). Cytogenetic location: 3p22.2.
Variant type: single nucleotide variant.
Coding change: c.1678T>A on transcript NM_001349253.2 (MANE Select); coding-DNA position 1678, T replaced by A.
Protein change: p.Cys560Ser; replaces cysteine 560 with serine.
Molecular consequence: missense variant.
Genome position (GRCh38, 1-based): chr3:38,904,029, A>T on the plus strand (T>A on the coding strand, the complement: SCN11A is on the minus strand). VCF-style: chr3-38904029-A-T. GRCh37 (hg19) VCF-style: chr3-38945520-A-T.
Other names: c.1678T>A, p.Cys560Ser (NM_014139.3); c.1678T>A (NM_014139.2); short protein forms C560S.
Identifiers: ClinVar variation 1054133 (VCV001054133.8), dbSNP rs139057163, ClinGen allele CA2322236.